The following is an entry in ClinVar:

ClinVar aggregate classification (germline): Uncertain significance. Review status: criteria provided, multiple submitters, no conflicts (2 of 4 stars). 2 submissions from 2 submitters: Uncertain significance (2). Last evaluated 2025-06-06.

Conditions:
Walker-Warburg congenital muscular dystrophy. Also called: Muscular dystrophy-dystroglycanopathy, type A; Walker-Warburg syndrome. Identifiers: Orphanet 899, MedGen C0265221, MONDO:0000171.
Autosomal recessive limb-girdle muscular dystrophy type 2K. Also called: MUSCULAR DYSTROPHY-DYSTROGLYCANOPATHY (LIMB-GIRDLE), TYPE C, 1; MUSCULAR DYSTROPHY, LIMB-GIRDLE, TYPE 2K. Identifiers: Orphanet 86812, MedGen C1836373, MONDO:0012248, OMIM 609308.
Muscular dystrophy-dystroglycanopathy (congenital with impaired intellectual development), type B, 1. Also called: Muscular dystrophy-dystroglycanopathy (congenital with intellectual disability), type B1; MUSCULAR DYSTROPHY, CONGENITAL, POMT1-RELATED. Identifiers: MedGen C5436962, MONDO:0013159, OMIM 613155.
Inborn genetic diseases. Identifiers: MedGen C0950123, MeSH D030342.

Allele frequency attached by ClinVar (database versions not stated): gnomAD exomes below 0.00001; TOPMed below 0.00001.
gnomAD v4.1: 8 of 1,613,504 alleles (0.0005%); highest among the groups gnomAD compares: Admixed American, 0.0017%; no homozygotes.

Submissions (2):

Ambry Genetics
Classification: Uncertain significance for Inborn genetic diseases. Last evaluated: 2025-06-06. Review status: criteria provided, single submitter. Criteria: Ambry Variant Classification Scheme 2023. Collection method: clinical testing. Allele origin: germline.

Labcorp Genetics (formerly Invitae), Labcorp
Classification: Uncertain significance for Muscular dystrophy-dystroglycanopathy (congenital with impaired intellectual development), type B, 1; Walker-Warburg congenital muscular dystrophy; Autosomal recessive limb-girdle muscular dystrophy type 2K. Last evaluated: 2022-09-01. Review status: criteria provided, single submitter. Criteria: Invitae Variant Classification Sherloc (09022015). Collection method: clinical testing. Allele origin: germline.
Comment: This sequence change replaces cysteine, which is neutral and slightly polar, with tyrosine, which is neutral and polar, at codon 689 of the POMT1 protein (p.Cys689Tyr). This variant is present in population databases (no rsID available, gnomAD 0.003%). This variant has not been reported in the literature in individuals affected with POMT1-related conditions. ClinVar contains an entry for this variant (Variation ID: 1525869). Algorithms developed to predict the effect of missense changes on protein structure and function (SIFT, PolyPhen-2, Align-GVGD) all suggest that this variant is likely to be tolerated. In summary, the available evidence is currently insufficient to determine the role of this variant in disease. Therefore, it has been classified as a Variant of Uncertain Significance.

NM_001077365.2(POMT1):c.2000G>A (p.Cys667Tyr)

Gene: POMT1 (protein O-mannosyltransferase 1; plus strand). Cytogenetic location: 9q34.13.
Variant type: single nucleotide variant.
Coding change: c.2000G>A on transcript NM_001077365.2 (MANE Select); coding-DNA position 2000, G replaced by A.
Protein change: p.Cys667Tyr; replaces cysteine 667 with tyrosine.
Molecular consequence: missense variant. On other transcripts: non-coding transcript variant (10).
Genome position (GRCh38, 1-based): chr9:131,522,221, G>A. VCF-style: chr9-131522221-G-A. GRCh37 (hg19) VCF-style: chr9-134397608-G-A.
Other names: c.1838G>A, p.Cys613Tyr (NM_001077366.2, NM_001353194.2); c.2000G>A, p.Cys667Tyr (NM_001136113.2); c.1649G>A, p.Cys550Tyr (NM_001136114.2, NM_001353195.2, NM_001374691.1 and 2 more transcripts); c.2066G>A, p.Cys689Tyr (NM_001353193.2, NM_007171.4); c.1910G>A, p.Cys637Tyr (NM_001353196.2); c.1904G>A, p.Cys635Tyr (NM_001353197.2, NM_001353198.2); c.1715G>A, p.Cys572Tyr (NM_001353199.2); c.1544G>A, p.Cys515Tyr (NM_001353200.2); and 4 more; short protein forms C537Y, C550Y, C689Y, C572Y, C594Y, C663Y, C667Y, C613Y.
Identifiers: ClinVar variation 1525869 (VCV001525869.4), dbSNP rs1219770866, ClinGen allele CA375314758.